The following is an entry in ClinVar:

NM_178857.6(RP1L1):c.2065C>T (p.Pro689Ser)

Gene: RP1L1 (RP1 like 1). Cytogenetic location: 8p23.1.
Variant type: single nucleotide variant.
Coding change: c.2065C>T on transcript NM_178857.6 (MANE Select); coding-DNA position 2065, C replaced by T.
Protein change: p.Pro689Ser; replaces proline 689 with serine.
Molecular consequence: missense variant.
Genome position (GRCh38, 1-based): chr8:10,612,033, G>A on the plus strand (C>T on the coding strand, the complement: RP1L1 is on the minus strand). VCF-style: chr8-10612033-G-A. GRCh37 (hg19) VCF-style: chr8-10469543-G-A.
Other names: short protein forms P689S.
Identifiers: ClinVar variation 3253077 (VCV003253077.1), dbSNP rs1442518482.

ClinVar aggregate classification (germline): Uncertain significance (1 of 4 stars; one submission).

Allele frequency attached by ClinVar (database versions not stated): gnomAD exomes below 0.00001; TOPMed below 0.00001; gnomAD 0.00001.

Submission:

GeneDx
Classification: Uncertain significance. Last evaluated: 2023-12-08. Review status: criteria provided, single submitter. Criteria: GeneDx Variant Classification Process June 2021. Collection method: clinical testing. Allele origin: germline. Affected: yes.
Comment: Not observed at significant frequency in large population cohorts (gnomAD); In silico analysis supports that this missense variant does not alter protein structure/function; Has not been previously published as pathogenic or benign to our knowledge